The following is an entry in ClinVar:

ClinVar aggregate classification (germline): Likely pathogenic (1 of 4 stars; one submission).

Allele frequency attached by ClinVar (database versions not stated): ExAC 0.00001; gnomAD 0.00001; TOPMed 0.00001; gnomAD exomes 0.00002.
gnomAD v4.1: 30 of 1,612,828 alleles (0.0019%); highest among the groups gnomAD compares: Non-Finnish European, 0.0025%; no homozygotes.

Submission:

GeneDx
Classification: Likely pathogenic. Last evaluated: 2022-09-06. Review status: criteria provided, single submitter. Criteria: GeneDx Variant Classification Process June 2021. Collection method: clinical testing. Allele origin: germline. Affected: yes.
Comment: Canonical splice site variant expected to result in aberrant splicing, although in the absence of functional evidence the actual effect of this sequence change is unknown.; Not observed at significant frequency in large population cohorts (gnomAD); Has not been previously published as pathogenic or benign to our knowledge

NM_020442.6(VARS2):c.3090+2T>A

Gene: VARS2 (valyl-tRNA synthetase 2, mitochondrial; plus strand). Cytogenetic location: 6p21.33.
Variant type: single nucleotide variant.
Coding change: c.3090+2T>A on transcript NM_020442.6 (MANE Select); the canonical splice donor site of the intron after coding-DNA position 3090, T replaced by A.
Molecular consequence: splice donor variant.
Genome position (GRCh38, 1-based): chr6:30,926,010, T>A. VCF-style: chr6-30926010-T-A. GRCh37 (hg19) VCF-style: chr6-30893787-T-A.
Other names: c.3180+2T>A (NM_001167734.2); c.2670+2T>A (NM_001167733.3).
Identifiers: ClinVar variation 2443654 (VCV002443654.1), dbSNP rs774811075, ClinGen allele CA3706447.
Genomic context (GRCh38, chr6:30,926,010, plus strand): 5'-ACAGCCTCACAGCCAGGACCCCATCAGAAGGGGAGGCAGGGACTCAGAGGCAACAAAAGG[T>A]AAGGCTGAGGGAGGCCCCCAGAAGGCTCCACCCCTGAGGGAATGTGGGCCAGGAGGGGCC-3'